The following is an entry in ClinVar:

NM_000090.4(COL3A1):c.731T>C (p.Leu244Ser)

Gene: COL3A1 (collagen type III alpha 1 chain; plus strand). Cytogenetic location: 2q32.2.
Variant type: single nucleotide variant.
Coding change: c.731T>C on transcript NM_000090.4 (MANE Select); coding-DNA position 731, T replaced by C.
Protein change: p.Leu244Ser; replaces leucine 244 with serine.
Molecular consequence: missense variant.
Genome position (GRCh38, 1-based): chr2:188,990,136, T>C. VCF-style: chr2-188990136-T-C. GRCh37 (hg19) VCF-style: chr2-189854862-T-C.
Other names: short protein forms L244S.
Identifiers: ClinVar variation 3070878 (VCV003070878.1), dbSNP rs1449520780, ClinGen allele CA349849039.

ClinVar aggregate classification (germline): Uncertain significance (1 of 4 stars; one submission).

Conditions:
Ehlers-Danlos syndrome, type 4 (EDSVASC). Also called: Ehlers-Danlos Syndrome Type IV; Ehlers-Danlos syndrome vascular type; Ehlers Danlos syndrome, ecchymotic type; Ehlers Danlos syndrome, arterial type; Ehlers Danlos syndrome, Sack-Barabas type. Identifiers: Orphanet 286, MedGen C0268338, MONDO:0017314, OMIM 130050.

Allele frequency attached by ClinVar (database versions not stated): gnomAD exomes below 0.00001; gnomAD 0.00001.
gnomAD v4.1: 3 of 1,613,586 alleles (0.00019%); highest among the groups gnomAD compares: Non-Finnish European, 0.00025%; no homozygotes.

Submission:

All of Us Research Program, National Institutes of Health
Classification: Uncertain significance for Ehlers-Danlos syndrome, type 4. Last evaluated: 2023-05-04. Review status: criteria provided, single submitter. Criteria: ACMG Guidelines, 2015. Collection method: clinical testing. Allele origin: germline. Inheritance: Autosomal dominant inheritance. Observed: 1 variant allele, 1 heterozygote.
Comment: This missense variant replaces leucine with serine at codon 244 of the COL3A1 protein. Computational prediction suggests that this variant may not impact protein structure and function (internally defined REVEL score threshold <= 0.5, PMID: 27666373). To our knowledge, functional studies have not been reported for this variant. This variant has not been reported in individuals affected with COL3A1-related disorders in the literature. This variant has been identified in 1/31404 chromosomes in the general population by the Genome Aggregation Database (gnomAD). The available evidence is insufficient to determine the role of this variant in disease conclusively. Therefore, this variant is classified as a Variant of Uncertain Significance.

This study involves interpretation of variants in research participants for the purpose of population health screening. Participant phenotype was not available at the time of variant classification. Additional details can be found in publication PMID: 35346344, PMCID: PMC8962531